The following is an entry in ClinVar:

ClinVar aggregate classification (germline): Uncertain significance. Review status: criteria provided, multiple submitters, no conflicts (2 of 4 stars). 5 submissions from 5 submitters: Uncertain significance (4). 1 of the submissions does not count toward it. Last evaluated 2025-01-13.

Conditions:
Hereditary cancer-predisposing syndrome. Also called: Hereditary Cancer Syndrome; Neoplastic Syndromes, Hereditary; Tumor predisposition; Hereditary neoplastic syndrome. Identifiers: Orphanet 140162, MedGen C0027672, MeSH D009386, MONDO:0015356.
Ataxia-telangiectasia syndrome (AT). Also called: Ataxia-telangiectasia, complementation group D; AT, COMPLEMENTATION GROUP C; ATAXIA-TELANGIECTASIA, COMPLEMENTATION GROUP A; ATAXIA-TELANGIECTASIA, FRESNO VARIANT; Ataxia-telangiectasia; LOUIS-BAR SYNDROME. Identifiers: Orphanet 100, MedGen C0004135, MONDO:0008840, OMIM 208900.

Submissions (5):

Labcorp Genetics (formerly Invitae), Labcorp
Classification: Uncertain significance for Ataxia-telangiectasia syndrome. Last evaluated: 2025-01-13. Review status: criteria provided, single submitter. Criteria: Invitae Variant Classification Sherloc (09022015). Collection method: clinical testing. Allele origin: germline.
Comment: This sequence change replaces isoleucine, which is neutral and non-polar, with threonine, which is neutral and polar, at codon 232 of the ATM protein (p.Ile232Thr). This variant is not present in population databases (gnomAD no frequency). This variant has not been reported in the literature in individuals affected with ATM-related conditions. ClinVar contains an entry for this variant (Variation ID: 187140). Invitae Evidence Modeling of protein sequence and biophysical properties (such as structural, functional, and spatial information, amino acid conservation, physicochemical variation, residue mobility, and thermodynamic stability) indicates that this missense variant is not expected to disrupt ATM protein function with a negative predictive value of 95%. In summary, the available evidence is currently insufficient to determine the role of this variant in disease. Therefore, it has been classified as a Variant of Uncertain Significance.

GeneDx
Classification: Uncertain significance. Last evaluated: 2024-10-11. Review status: criteria provided, single submitter. Criteria: GeneDx Variant Classification Process June 2021. Collection method: clinical testing. Allele origin: germline. Affected: yes.
Comment: Not observed at significant frequency in large population cohorts (gnomAD); In silico analysis indicates that this missense variant does not alter protein structure/function; Has not been previously published as pathogenic or benign to our knowledge

Ambry Genetics
Classification: Uncertain significance for Hereditary cancer-predisposing syndrome. Last evaluated: 2023-11-24. Review status: criteria provided, single submitter. Criteria: Ambry Variant Classification Scheme 2023. Collection method: clinical testing. Allele origin: germline.
Comment: The p.I232T variant (also known as c.695T>C), located in coding exon 6 of the ATM gene, results from a T to C substitution at nucleotide position 695. The isoleucine at codon 232 is replaced by threonine, an amino acid with similar properties. This amino acid position is well conserved in available vertebrate species. In addition, this alteration is predicted to be tolerated by in silico analysis. Since supporting evidence is limited at this time, the clinical significance of this alteration remains unclear.

Women's Health and Genetics/Laboratory Corporation of America, LabCorp
Classification: Uncertain significance. Last evaluated: 2022-12-08. Review status: criteria provided, single submitter. Criteria: LabCorp Variant Classification Summary - May 2015. Collection method: clinical testing. Allele origin: germline.

Natera, Inc.
Classification: Uncertain significance for Ataxia-telangiectasia. Last evaluated: 2025-04-17. Review status: no assertion criteria provided. Collection method: clinical testing. Allele origin: germline. Not counted in ClinVar's aggregate classification.

NM_000051.4(ATM):c.695T>C (p.Ile232Thr)

Gene: ATM (ATM serine/threonine kinase; plus strand). Cytogenetic location: 11q22.3.
Variant type: single nucleotide variant.
Coding change: c.695T>C on transcript NM_000051.4 (MANE Select); coding-DNA position 695, T replaced by C.
Protein change: p.Ile232Thr; replaces isoleucine 232 with threonine.
Molecular consequence: missense variant.
Genome position (GRCh38, 1-based): chr11:108,244,820, T>C. VCF-style: chr11-108244820-T-C. GRCh37 (hg19) VCF-style: chr11-108115547-T-C.
Other names: c.695T>C, p.Ile232Thr (NM_001351834.2); short protein forms I232T.
Identifiers: ClinVar variation 187140 (VCV000187140.17), dbSNP rs786203502, ClinGen allele CA196831.